The following is an entry in ClinVar:

NM_005802.5(TOPORS):c.204G>A (p.Met68Ile)

Gene: TOPORS (TOP1 binding arginine/serine rich protein, E3 ubiquitin ligase; minus strand). Cytogenetic location: 9p21.1.
Variant type: single nucleotide variant.
Coding change: c.204G>A on transcript NM_005802.5 (MANE Select); coding-DNA position 204, G replaced by A.
Protein change: p.Met68Ile; replaces methionine 68 with isoleucine.
Molecular consequence: missense variant.
Genome position (GRCh38, 1-based): chr9:32,544,321, C>T on the plus strand (G>A on the coding strand, the complement: TOPORS is on the minus strand). VCF-style: chr9-32544321-C-T. GRCh37 (hg19) VCF-style: chr9-32544319-C-T.
Other names: c.9G>A, p.Met3Ile (NM_001195622.2); short protein forms M3I, M68I.
Identifiers: ClinVar variation 1358363 (VCV001358363.8), dbSNP rs1190939628, ClinGen allele CA373173184.

ClinVar aggregate classification (germline): Uncertain significance (1 of 4 stars; one submission).

Allele frequency attached by ClinVar (database versions not stated): gnomAD exomes below 0.00001.
gnomAD v4.1: 1 of 1,600,160 alleles (0.000062%); highest among the groups gnomAD compares: Non-Finnish European, 0.000085%; no homozygotes.

Submission:

Labcorp Genetics (formerly Invitae), Labcorp
Classification: Uncertain significance. Last evaluated: 2021-04-08. Review status: criteria provided, single submitter. Criteria: Invitae Variant Classification Sherloc (09022015). Collection method: clinical testing. Allele origin: germline.
Comment: This variant has not been reported in the literature in individuals with TOPORS-related conditions. This variant is not present in population databases (ExAC no frequency). This sequence change replaces methionine with isoleucine at codon 68 of the TOPORS protein (p.Met68Ile). The methionine residue is moderately conserved and there is a small physicochemical difference between methionine and isoleucine. In summary, the available evidence is currently insufficient to determine the role of this variant in disease. Therefore, it has been classified as a Variant of Uncertain Significance. Algorithms developed to predict the effect of missense changes on protein structure and function are either unavailable or do not agree on the potential impact of this missense change (SIFT: "Tolerated"; PolyPhen-2: "Possibly Damaging"; Align-GVGD: "Class C0").